The following is an entry in ClinVar:

NM_001365276.2(TNXB):c.31A>G (p.Ser11Gly)

Gene: TNXB (tenascin XB; minus strand). Cytogenetic location: 6p21.33.
Variant type: single nucleotide variant.
Coding change: c.31A>G on transcript NM_001365276.2 (MANE Select); coding-DNA position 31, A replaced by G.
Protein change: p.Ser11Gly; replaces serine 11 with glycine.
Molecular consequence: missense variant.
Genome position (GRCh38, 1-based): chr6:32,098,168, T>C on the plus strand (A>G on the coding strand, the complement: TNXB is on the minus strand). VCF-style: chr6-32098168-T-C. GRCh37 (hg19) VCF-style: chr6-32065945-T-C.
Other names: c.31A>G, p.Ser11Gly (NM_001428335.1, NM_019105.8); short protein forms S11G.
Identifiers: ClinVar variation 3227266 (VCV003227266.1), dbSNP rs1416828643, ClinGen allele CA363493799.
Genomic context (GRCh38, chr6:32,098,168, plus strand): 5'-TGGACCGTGAAGAGAAGGGGCCTGCTCTGGCTGTGCTCAGCAGCACCAGGAGAACCAGGC[T>C]GGAGGTTAGAGCATACTGGGCTGGCATCATTCAGGAGGCTGCAGGGAGAAAGGGTAGGTA-3'
Protein context (NP_001352205.1, residues 1-21): MMPAQYALTS[Ser11Gly]LVLLVLLSTA

ClinVar aggregate classification (germline): Uncertain significance (1 of 4 stars; one submission).

Conditions:
Cardiovascular phenotype. Identifiers: MedGen CN230736.

Submission:

Ambry Genetics
Classification: Uncertain significance for Cardiovascular phenotype. Last evaluated: 2023-11-22. Review status: criteria provided, single submitter. Criteria: Ambry Variant Classification Scheme 2023. Collection method: clinical testing. Allele origin: germline.
Comment: The p.S11G variant (also known as c.31A>G), located in coding exon 1 of the TNXB gene, results from an A to G substitution at nucleotide position 31. The serine at codon 11 is replaced by glycine, an amino acid with similar properties. This amino acid position is conserved. In addition, this alteration is predicted to be tolerated by in silico analysis. Since supporting evidence is limited at this time, the clinical significance of this alteration remains unclear.